The following is an entry in ClinVar:

NM_001348323.3(TRIP12):c.4757_4763delinsC (p.Lys1586_Asn1588delinsThr)

Gene: TRIP12 (thyroid hormone receptor interactor 12; minus strand). Cytogenetic location: 2q36.3.
Variant type: Indel.
Coding change: c.4757_4763delinsC on transcript NM_001348323.3 (MANE Select); coding-DNA positions 4757 to 4763, AAGCAAA replaced by C.
Protein change: p.Lys1586_Asn1588delinsThr.
Molecular consequence: inframe indel.
Genome position (GRCh38, 1-based): chr2:229,788,873-229,788,879, TTTGCTT replaced by G on the plus strand (AAGCAAA replaced by C on the coding strand, the reverse complement: TRIP12 is on the minus strand). VCF-style: chr2-229788873-TTTGCTT-G. GRCh37 (hg19) VCF-style: chr2-230653589-TTTGCTT-G.
Other names: c.4676_4682delinsC, p.Lys1559_Asn1561delinsThr (NM_001284214.2, NM_001348315.2); c.4631_4637delinsC, p.Lys1544_Asn1546delinsThr (NM_001284215.2, NM_001348316.2); c.3722_3728delinsC, p.Lys1241_Asn1243delinsThr (NM_001284216.2); c.4616_4622delinsC, p.Lys1539_Asn1541delinsThr (NM_001348317.1, NM_001348318.2); c.4742_4748delinsC, p.Lys1581_Asn1583delinsThr (NM_001348319.1, NM_001348320.2); c.4745_4751delinsC, p.Lys1582_Asn1584delinsThr (NM_001348321.1); c.4757_4763delinsC, p.Lys1586_Asn1588delinsThr (NM_001348322.1, NM_001348324.2, NM_001348325.2 and 2 more transcripts); c.4760_4766delinsC, p.Lys1587_Asn1589delinsThr (NM_001348328.1, NM_001348329.2, NM_001348330.2); and 4 more.
Identifiers: ClinVar variation 4277303 (VCV004277303.1).

ClinVar aggregate classification (germline): Likely pathogenic (1 of 4 stars; one submission).

Conditions:
Clark-Baraitser syndrome. Also called: MENTAL RETARDATION, AUTOSOMAL DOMINANT 49; BARAITSER SYNDROME; Mental retardation, tall stature, obesity, macrocephaly and typical facial features; Intellectual disability, autosomal dominant 49. Identifiers: Orphanet 600731, MedGen C2931130, MONDO:0030914, OMIM 617752.

Submission:

Neurogenetics Laboratory, American University of Beirut
Classification: Likely pathogenic for Clark-Baraitser syndrome. Last evaluated: 2025-09-30. Review status: criteria provided, single submitter. Criteria: ACMG Guidelines, 2015. Collection method: clinical testing. Allele origin: de novo. Affected: yes. Observed: 1 heterozygote.
Comment: The NM_004238.3:c.4532_4538delinsC (p.Lys1511_Asn1513delinsThr) is an in-frame deletion/insertion that results in a change of protein length. The variant has been identified as de novo and is not present in gnomAD population databases. Affected amino acids are highly conserved among species and in silico prediction tools showed significant structural protein changes. In summary, the variant was classified as likely pathogenic (PM2+PM4+PM6).